The following is an entry in ClinVar:

ClinVar aggregate classification (germline): Uncertain significance. Review status: criteria provided, multiple submitters, no conflicts (2 of 4 stars). 2 submissions from 2 submitters: Uncertain significance (2). Last evaluated 2025-04-14.

Conditions:
Medulloblastoma (MDB). Also called: Medulloblastoma, somatic; MEDULLOBLASTOMA PREDISPOSITION SYNDROME. Identifiers: Orphanet 616, MedGen C0025149, MeSH D008527, MONDO:0007959, OMIM 155255, HP:0002885.
Gorlin syndrome. Also called: Nevoid Basal Cell Carcinoma Syndrome; Basal cell nevus syndrome. Identifiers: Orphanet 377, MedGen C0004779, MONDO:0007187.
Hereditary cancer-predisposing syndrome. Also called: Neoplastic Syndromes, Hereditary; Hereditary neoplastic syndrome; Hereditary Cancer Syndrome; Tumor predisposition. Identifiers: Orphanet 140162, MedGen C0027672, MeSH D009386, MONDO:0015356.

gnomAD v4.1: 1 of 1,614,004 alleles (0.000062%); highest among the groups gnomAD compares: African/African-American, 0.0013%; no homozygotes.

Submissions (2):

Labcorp Genetics (formerly Invitae), Labcorp
Classification: Uncertain significance for Gorlin syndrome; Medulloblastoma. Last evaluated: 2025-04-14. Review status: criteria provided, single submitter. Criteria: Invitae Variant Classification Sherloc (09022015). Collection method: clinical testing. Allele origin: germline.
Comment: This sequence change replaces proline, which is neutral and non-polar, with arginine, which is basic and polar, at codon 482 of the SUFU protein (p.Pro482Arg). This variant is present in population databases (no rsID available, gnomAD 0.01%). This variant has not been reported in the literature in individuals affected with SUFU-related conditions. ClinVar contains an entry for this variant (Variation ID: 944528). An algorithm developed to predict the effect of missense changes on protein structure and function (PolyPhen-2) suggests that this variant is likely to be disruptive. In summary, the available evidence is currently insufficient to determine the role of this variant in disease. Therefore, it has been classified as a Variant of Uncertain Significance.

Ambry Genetics
Classification: Uncertain significance for Hereditary cancer-predisposing syndrome. Last evaluated: 2025-01-27. Review status: criteria provided, single submitter. Criteria: Ambry Variant Classification Scheme 2023. Collection method: clinical testing. Allele origin: germline.
Comment: The p.P482R variant (also known as c.1445C>G), located in coding exon 12 of the SUFU gene, results from a C to G substitution at nucleotide position 1445. The proline at codon 482 is replaced by arginine, an amino acid with dissimilar properties. This amino acid position is conserved. In addition, this alteration is predicted to be deleterious by in silico analysis. Based on the available evidence, the clinical significance of this variant remains unclear.

NM_016169.4(SUFU):c.1445C>G (p.Pro482Arg)

Gene: SUFU (SUFU negative regulator of hedgehog signaling; plus strand). Cytogenetic location: 10q24.32.
Variant type: single nucleotide variant.
Coding change: c.1445C>G on transcript NM_016169.4 (MANE Select); coding-DNA position 1445, C replaced by G.
Protein change: p.Pro482Arg; replaces proline 482 with arginine.
Molecular consequence: missense variant.
Genome position (GRCh38, 1-based): chr10:102,630,145, C>G. VCF-style: chr10-102630145-C-G. GRCh37 (hg19) VCF-style: chr10-104389902-C-G.
Other names: short protein forms P482R.
Identifiers: ClinVar variation 944528 (VCV000944528.11), dbSNP rs765358771, ClinGen allele CA377921149.